The following is an entry in ClinVar:

ClinVar aggregate classification (germline): Uncertain significance (1 of 4 stars; one submission).

Conditions:
Polyglandular autoimmune syndrome, type 1 (APS1). Also called: PGA I; Autoimmune polyendocrinopathy syndrome , type I, with or without reversible metaphyseal dysplasia; Whitaker syndrome; Autoimmune polyendocrine syndrome type 1; AUTOIMMUNE POLYENDOCRINE SYNDROME, TYPE I, WITH OR WITHOUT REVERSIBLE METAPHYSEAL DYSPLASIA; APS I. Identifiers: Orphanet 3453, MedGen C0085859, MONDO:0009411, OMIM 240300.

Submission:

Labcorp Genetics (formerly Invitae), Labcorp
Classification: Uncertain significance for Polyglandular autoimmune syndrome, type 1. Last evaluated: 2025-10-07. Review status: criteria provided, single submitter. Criteria: Invitae Variant Classification Sherloc (09022015). Collection method: clinical testing. Allele origin: germline.
Comment: This sequence change replaces glycine, which is neutral and non-polar, with arginine, which is basic and polar, at codon 228 of the AIRE protein (p.Gly228Arg). This variant is present in population databases (rs121434257, gnomAD 0.02%). This variant has not been reported in the literature in individuals affected with AIRE-related conditions. Invitae Evidence Modeling of protein sequence and biophysical properties (such as structural, functional, and spatial information, amino acid conservation, physicochemical variation, residue mobility, and thermodynamic stability) indicates that this missense variant is expected to disrupt AIRE protein function with a positive predictive value of 95%. In summary, the available evidence is currently insufficient to determine the role of this variant in disease. Therefore, it has been classified as a Variant of Uncertain Significance.

NM_000383.4(AIRE):c.682G>A (p.Gly228Arg)

Gene: AIRE (autoimmune regulator; plus strand). Cytogenetic location: 21q22.3.
Variant type: single nucleotide variant.
Coding change: c.682G>A on transcript NM_000383.4 (MANE Select); coding-DNA position 682, G replaced by A.
Protein change: p.Gly228Arg; replaces glycine 228 with arginine.
Molecular consequence: missense variant.
Genome position (GRCh38, 1-based): chr21:44,289,686, G>A. VCF-style: chr21-44289686-G-A. GRCh37 (hg19) VCF-style: chr21-45709569-G-A.
Other names: short protein forms G228R.
Identifiers: ClinVar variation 4746402 (VCV004746402.1).